The following is an entry in ClinVar:

ClinVar aggregate classification (germline): Pathogenic. Review status: reviewed by expert panel (3 of 4 stars). 13 submissions from 13 submitters: Pathogenic (1). 12 of the submissions do not count toward it. Last evaluated 2016-12-15.

Conditions:
MYH7-related disorder. Also called: MYH7-related disorders; MYH7-related condition; MYH7-related disease.
Myosin storage myopathy (CMYO7A). Also called: MYOPATHY WITH LYSIS OF TYPE I MYOFIBRILS; MYOPATHY, HYALINE BODY, AUTOSOMAL DOMINANT; MYH7-related late-onset scapuloperoneal muscular dystrophy; Congenital myopathy 7A, myosin storage, autosomal dominant; SCAPULOPERONEAL MUSCULAR DYSTROPHY; SCAPULOPERONEAL SYNDROME, MYOPATHIC TYPE. Identifiers: Orphanet 437572, Orphanet 636965, MedGen C1842160, MONDO:0008409, OMIM 608358.
Cardiovascular phenotype. Identifiers: MedGen CN230736.
Hypertrophic cardiomyopathy 1 (CMH1). Also called: MYH7-Related Familial Hypertrophic Cardiomyopathy; Familial hypertrophic cardiomyopathy 1. Identifiers: MedGen C3495498, MONDO:0008647, OMIM 192600.
Primary familial hypertrophic cardiomyopathy (HCM). Identifiers: Orphanet 99739, MedGen C0949658, MeSH D024741, MONDO:0024573. Inheritance: Various modes of inheritance.
Hypertrophic cardiomyopathy. Also called: HYPERTROPHIC MYOCARDIOPATHY. Identifiers: Orphanet 217569, MedGen C0007194, MeSH D002312, MONDO:0005045, HP:0001639.

Allele frequency attached by ClinVar (database versions not stated): gnomAD 0.00001.
gnomAD v4.1: 1 of 1,614,106 alleles (0.000062%); highest among the groups gnomAD compares: Non-Finnish European, 0.000085%; no homozygotes.

Submissions (13):

ClinGen Cardiomyopathy Variant Curation Expert Panel
Classification: Pathogenic for Hypertrophic cardiomyopathy. Last evaluated: 2016-12-15. Review status: reviewed by expert panel. Criteria: ClinGen CMP ACMG Specifications v1. Collection method: curation. Allele origin: germline. Inheritance: Autosomal dominant inheritance.
Comment: The c.1358G>A (p.Arg453His) variant in MYH7 has been reported in >12 individuals with hypertrophic cardiomyopathy (PS4; PMID:27532257; PMID:20428263; PMID:15858117; PMID:20800588; PMID:21835320; PMID:22429680; Partners LMM ClinVar SCV000059369.5; Invitae ClinVar SCV000253816.4; SHaRe consortium, PMID: 30297972). This variant was been identified as a de novo occurrence in 1 proband with hypertrophic cardiomyopathy (PM6; PMID:20428263). This variant was absent from large population studies (PM2). This variant lies in the head region of the protein (aa 181-937) and missense variants in this region are statistically more likely to be disease-associated (PM1; PMID:27532257). Computational prediction tools and conservation analysis suggest that this variant may impact the protein (PP3). A different pathogenic missense variant has been previously identified at this codon which may indicate that this residue is critical to the function of the protein (PM5; c.1357C>T p.Arg453Cys; ClinVar Variation ID 14089). In summary, this variant meets criteria to be classified as pathogenic for hypertrophic cardiomyopathy in an autosomal dominant manner. MYH7-specific ACMG/AMP criteria applied (PMID:29300372): PS4; PM1; PM2; PM5; PM6; PP3

Labcorp Genetics (formerly Invitae), Labcorp
Classification: Pathogenic for Hypertrophic cardiomyopathy. Last evaluated: 2025-12-08. Review status: criteria provided, single submitter. Criteria: Invitae Variant Classification Sherloc (09022015). Collection method: clinical testing. Allele origin: germline. Not counted in ClinVar's aggregate classification.
Comment: This sequence change replaces arginine, which is basic and polar, with histidine, which is basic and polar, at codon 453 of the MYH7 protein (p.Arg453His). This variant is not present in population databases (gnomAD no frequency). This missense change has been observed in individuals with hypertrophic cardiomyopathy (PMID: 15858117, 20800588, 21835320, 22429680, 23140321, 24093860, 27247418). This missense change has been observed to co-occur in individuals with a different variant in MYH7 that has been determined to be pathogenic (PMID: 20428263), but the significance of this finding is unclear. ClinVar contains an entry for this variant (Variation ID: 42838). Invitae Evidence Modeling of protein sequence and biophysical properties (such as structural, functional, and spatial information, amino acid conservation, physicochemical variation, residue mobility, and thermodynamic stability) indicates that this missense variant is expected to disrupt MYH7 protein function with a positive predictive value of 95%. This variant disrupts the p.Arg453 amino acid residue in MYH7. Other variant(s) that disrupt this residue have been determined to be pathogenic (PMID: 8655135, 11133230, 12975413, 17351073, 23283745, 23798412, 24344137, 27247418). This suggests that this residue is clinically significant, and that variants that disrupt this residue are likely to be disease-causing. For these reasons, this variant has been classified as Pathogenic.

Institute of Human Genetics, Heidelberg University
Classification: Pathogenic for Hypertrophic cardiomyopathy 1. Last evaluated: 2025-10-27. Review status: criteria provided, single submitter. Criteria: ACMG Guidelines, 2015. Collection method: clinical testing. Allele origin: de novo. Affected: yes. Observed: 1 variant allele. Not counted in ClinVar's aggregate classification.
Comment: PS4, PM1, PM5, PM6, PM2_SUP, PP3

Genomic Medicine Center of Excellence, King Faisal Specialist Hospital and Research Centre
Classification: Likely pathogenic for Myosin storage myopathy. Last evaluated: 2025-09-10. Review status: criteria provided, single submitter. Criteria: ACMG Guidelines, 2015. Collection method: clinical testing. Allele origin: germline. Not counted in ClinVar's aggregate classification.

Ambry Genetics
Classification: Pathogenic for Cardiovascular phenotype. Last evaluated: 2024-06-17. Review status: criteria provided, single submitter. Criteria: Ambry Variant Classification Scheme 2023. Collection method: clinical testing. Allele origin: germline. Not counted in ClinVar's aggregate classification.
Comment: The p.R453H pathogenic mutation (also known as c.1358G>A), located in coding exon 12 of the MYH7 gene, results from a G to A substitution at nucleotide position 1358. The arginine at codon 453 is replaced by histidine, an amino acid with highly similar properties. This alteration is located in the myosin head domain, which contains a statistically significant clustering of pathogenic missense variants (Homburger JR et al. Proc Natl Acad Sci U S A, 2016 06;113:6701-6; Walsh R et al. Genet Med, 2017 02;19:192-203; Ambry internal data). This alteration has been reported in multiple individuals from hypertrophic cardiomyopathy (HCM) cohorts (Yu B et al. J. Clin. Pathol., 2005 May;58:479-85; Millat G et al. Clin. Chim. Acta, 2010 Dec;411:1983-91; Olivotto I et al. J. Am. Coll. Cardiol., 2011 Aug;58:839-48; Marsiglia JD et al. Am. Heart J. 2013 Oct;166(4):775-82; Walsh R et al. Genet. Med., 2017 02;19:192-203; Kelly MA et al. Genet. Med., 2018 03;20:351-359). This alteration was reported to occur de novo in an individual with early onset HCM who also had a second MYH7 mutation (Haluza R et al. Exp Clin Cardiol, 2001;6:223-7). This variant was not reported in population-based cohorts in the Genome Aggregation Database (gnomAD). In addition, this alteration is predicted to be deleterious by in silico analysis. Based on the supporting evidence, this alteration is interpreted as a disease-causing mutation.

Mayo Clinic Laboratories, Mayo Clinic
Classification: Pathogenic. Last evaluated: 2022-01-10. Review status: criteria provided, single submitter. Criteria: ACMG Guidelines, 2015. Collection method: clinical testing. Allele origin: germline. Not counted in ClinVar's aggregate classification.
Comment: PS4, PM2, PM5, PM6, PP3

Revvity Omics, Revvity
Classification: Pathogenic. Last evaluated: 2020-10-08. Review status: criteria provided, single submitter. Criteria: ACMG Guidelines, 2015. Collection method: clinical testing. Allele origin: germline. Not counted in ClinVar's aggregate classification.

GeneDx
Classification: Likely pathogenic. Last evaluated: 2019-12-17. Review status: criteria provided, single submitter. Criteria: GeneDx Variant Classification Process June 2021. Collection method: clinical testing. Allele origin: germline. Affected: yes. Not counted in ClinVar's aggregate classification.
Comment: Classified as pathogenic in ClinVar by the ClinGen Inherited Cardiomyopathy Expert Panel (SCV000564415.2; Landrum et al., 2016); Not observed in large population cohorts (Lek et al., 2016); In silico analysis, which includes protein predictors and evolutionary conservation, supports a deleterious effect; This variant is associated with the following publications: (PMID: 15858117, 27247418, 27532257, 20800588, 29300372, 23140321, 28420666, 23074333, 21835320, 21310275, 8655135, 20428263, 22429680, 29907873, 31006259, 31321302, 33673806)

Blueprint Genetics
Classification: Pathogenic for MYH7-related disorders. Last evaluated: 2019-06-08. Review status: criteria provided, single submitter. Criteria: ACMG Guidelines, 2015. Collection method: clinical testing. Allele origin: germline. Affected: yes. Observed: 1 variant allele. Not counted in ClinVar's aggregate classification.

Stanford Center for Inherited Cardiovascular Disease, Stanford University
Classification: Likely pathogenic. Last evaluated: 2015-03-24. Review status: criteria provided, single submitter. Criteria: ACMG Guidelines, 2015. Collection method: provider interpretation. Allele origin: germline. Not counted in ClinVar's aggregate classification.

Laboratory for Molecular Medicine, Mass General Brigham Personalized Medicine
Classification: Likely pathogenic for Hypertrophic cardiomyopathy. Last evaluated: 2013-01-12. Review status: criteria provided, single submitter. Criteria: LMM Criteria. Collection method: clinical testing. Allele origin: germline. Observed: 2 variant alleles. Not counted in ClinVar's aggregate classification.
Comment: I n one individual, the variant had occurred ?de novo? but the presence of a secon d, pathogenic MYH7 variant (Arg403Trp) left the clinical significance of the Arg 453His variant uncertain (Haluza 2001). This variant has not been identified in large European American and African American populations by the NHLBI Exome Sequ encing Project, which is consistent with a p athogenic role. However, we cannot exclude that it may be common in other popula tions. Arginine (Arg) at position 453 is conserved in evolution and 3 other vari ants at that position have been reported (Arg453Cys, Arg453Ser, Arg453Leu), sugg esting that a change would not be tolerated. The Arg453His variant was also pred icted to be pathogenic using a computational tool, which was validated by our la boratory using a set of cardiomyopathy variants with well-established clinical s ignificance. This tool's pathogenic prediction is estimated to be correct 94% of the time (Jordan 2011). In summary, this variant is likely to be pathogenic, th ough additional studies are required to fully establish its clinical significanc e.

Laboratory of Genetics and Molecular Cardiology, University of São Paulo
Classification: Likely pathogenic for Hypertrophic cardiomyopathy 1. Review status: criteria provided, single submitter. Criteria: LGCM Criteria August 2015. Collection method: clinical testing. Allele origin: germline. Inheritance: Autosomal dominant inheritance. Affected: yes. Observed: 1 variant allele. Study: Sarcomeric Human Cardiomyopathy Registry (ShaRe). Not counted in ClinVar's aggregate classification.

Molecular Diagnostic Laboratory for Inherited Cardiovascular Disease, Montreal Heart Institute
Classification: Likely pathogenic for Primary familial hypertrophic cardiomyopathy. Review status: criteria provided, single submitter. Criteria: ACMG Guidelines, 2015. Collection method: clinical testing. Allele origin: germline. Affected: yes. Not counted in ClinVar's aggregate classification.

Literature cited by the submitters: PubMed 22429680 (cited by 5 submitters); PubMed 15858117 (cited by 5 submitters); PubMed 20428263 (cited by 6 submitters); PubMed 20800588 (cited by 5 submitters); PubMed 27532257 (cited by 3 submitters); PubMed 21835320 (cited by 5 submitters); PubMed 29300372 (cited by ClinGen Cardiomyopathy Variant Curation Expert Panel and Ambry Genetics); PubMed 23140321 (cited by 3 submitters); PubMed 24093860 (cited by 3 submitters); PubMed 27247418 (cited by Labcorp Genetics (formerly Invitae), Labcorp and Ambry Genetics); PubMed 8655135 (cited by Labcorp Genetics (formerly Invitae), Labcorp); PubMed 11133230 (cited by Labcorp Genetics (formerly Invitae), Labcorp); PubMed 12975413 (cited by Labcorp Genetics (formerly Invitae), Labcorp); PubMed 17351073 (cited by Labcorp Genetics (formerly Invitae), Labcorp); PubMed 23283745 (cited by Labcorp Genetics (formerly Invitae), Labcorp); PubMed 23798412 (cited by Labcorp Genetics (formerly Invitae), Labcorp); PubMed 24344137 (cited by Labcorp Genetics (formerly Invitae), Labcorp); PubMed 23074333 (cited by 3 submitters); PubMed 28193612 (cited by Ambry Genetics); PubMed 30275503 (cited by Ambry Genetics); PubMed 31006259 (cited by Ambry Genetics).

NM_000257.4(MYH7):c.1358G>A (p.Arg453His)

Gene: MYH7 (myosin heavy chain 7; minus strand). Cytogenetic location: 14q11.2.
Variant type: single nucleotide variant.
Coding change: c.1358G>A on transcript NM_000257.4 (MANE Select); coding-DNA position 1358, G replaced by A.
Protein change: p.Arg453His; replaces arginine 453 with histidine.
Molecular consequence: missense variant.
Genome position (GRCh38, 1-based): chr14:23,429,004, C>T on the plus strand (G>A on the coding strand, the complement: MYH7 is on the minus strand). VCF-style: chr14-23429004-C-T. GRCh37 (hg19) VCF-style: chr14-23898213-C-T.
Other names: p.R453H:CGC>CAC; NM_000257.3(MYH7):c.1358G>A; short protein forms R453H.
Identifiers: ClinVar variation 42838 (VCV000042838.32), dbSNP rs397516101, ClinGen allele CA010639.